The following is an entry in ClinVar:

NM_016507.4(CDK12):c.3815C>T (p.Pro1272Leu)

Gene: CDK12 (cyclin dependent kinase 12; plus strand). Cytogenetic location: 17q12.
Variant type: single nucleotide variant.
Coding change: c.3815C>T on transcript NM_016507.4 (MANE Select); coding-DNA position 3815, C replaced by T.
Protein change: p.Pro1272Leu; replaces proline 1272 with leucine.
Molecular consequence: missense variant.
Genome position (GRCh38, 1-based): chr17:39,530,658, C>T. VCF-style: chr17-39530658-C-T. GRCh37 (hg19) VCF-style: chr17-37686911-C-T.
Other names: c.3788C>T, p.Pro1263Leu (NM_015083.4); short protein forms P1263L, P1272L.
Identifiers: ClinVar variation 3999329 (VCV003999329.1).

ClinVar aggregate classification (germline): Uncertain significance (1 of 4 stars; one submission).

Submission:

Ambry Genetics
Classification: Uncertain significance. Last evaluated: 2025-04-06. Review status: criteria provided, single submitter. Criteria: Ambry Variant Classification Scheme 2023. Collection method: clinical testing. Allele origin: germline.
Comment: The p.P1272L variant (also known as c.3815C>T), located in coding exon 14 of the CDK12 gene, results from a C to T substitution at nucleotide position 3815. The proline at codon 1272 is replaced by leucine, an amino acid with similar properties. This amino acid position is conserved. In addition, this alteration is predicted to be tolerated by in silico analysis. Based on the available evidence, the clinical significance of this variant remains unclear.